The following is an entry in ClinVar:

NM_032242.4(PLXNA1):c.4177A>G (p.Ile1393Val)

Gene: PLXNA1 (plexin A1; plus strand). Cytogenetic location: 3q21.3.
Variant type: single nucleotide variant.
Coding change: c.4177A>G on transcript NM_032242.4 (MANE Select); coding-DNA position 4177, A replaced by G.
Protein change: p.Ile1393Val; replaces isoleucine 1393 with valine.
Molecular consequence: missense variant.
Genome position (GRCh38, 1-based): chr3:127,022,223, A>G. VCF-style: chr3-127022223-A-G. GRCh37 (hg19) VCF-style: chr3-126741066-A-G.
Other names: short protein forms I1393V.
Identifiers: ClinVar variation 1924456 (VCV001924456.6), dbSNP rs2472551993, ClinGen allele CA354396442.

ClinVar aggregate classification (germline): Uncertain significance. Review status: criteria provided, multiple submitters, no conflicts (2 of 4 stars). 2 submissions from 2 submitters: Uncertain significance (2). Last evaluated 2025-07-10.

Submissions (2):

Labcorp Genetics (formerly Invitae), Labcorp
Classification: Uncertain significance. Last evaluated: 2025-07-10. Review status: criteria provided, single submitter. Criteria: Invitae Variant Classification Sherloc (09022015). Collection method: clinical testing. Allele origin: germline.
Comment: This sequence change replaces isoleucine, which is neutral and non-polar, with valine, which is neutral and non-polar, at codon 1393 of the PLXNA1 protein (p.Ile1393Val). This variant is not present in population databases (gnomAD no frequency). This variant has not been reported in the literature in individuals affected with PLXNA1-related conditions. ClinVar contains an entry for this variant (Variation ID: 1924456). Invitae Evidence Modeling of protein sequence and biophysical properties (such as structural, functional, and spatial information, amino acid conservation, physicochemical variation, residue mobility, and thermodynamic stability) indicates that this missense variant is not expected to disrupt PLXNA1 protein function with a negative predictive value of 80%. In summary, the available evidence is currently insufficient to determine the role of this variant in disease. Therefore, it has been classified as a Variant of Uncertain Significance.

Ambry Genetics
Classification: Uncertain significance. Last evaluated: 2021-08-09. Review status: criteria provided, single submitter. Criteria: Ambry Variant Classification Scheme 2023. Collection method: clinical testing. Allele origin: germline.